The following is an entry in ClinVar:

NM_019023.5(PRMT7):c.156C>G (p.Ile52Met)

Gene: PRMT7 (protein arginine methyltransferase 7; plus strand). Cytogenetic location: 16q22.1.
Variant type: single nucleotide variant.
Coding change: c.156C>G on transcript NM_019023.5 (MANE Select); coding-DNA position 156, C replaced by G.
Protein change: p.Ile52Met; replaces isoleucine 52 with methionine.
Molecular consequence: missense variant. On other transcripts: 5 prime UTR variant (3), non-coding transcript variant (12), intron variant (1).
Genome position (GRCh38, 1-based): chr16:68,324,706, C>G. VCF-style: chr16-68324706-C-G. GRCh37 (hg19) VCF-style: chr16-68358609-C-G.
Other names: c.156C>G, p.Ile52Met (NM_001290018.2, NM_001351143.3, NM_001351144.3 and 1 more transcripts); c.58C>G, p.Pro20Ala (NM_001378020.1); c.-82C>G (NM_001378021.1, NM_001378022.1, NM_001378023.1); c.132+3244C>G (NM_001184824.4); short protein forms I52M, P20A.
Identifiers: ClinVar variation 3336509 (VCV003336509.1).

ClinVar aggregate classification (germline): Uncertain significance (1 of 4 stars; one submission).

gnomAD v4.1: 2 of 1,614,246 alleles (0.00012%); highest among the groups gnomAD compares: Non-Finnish European, 0.00017%; no homozygotes.

Submission:

Women's Health and Genetics/Laboratory Corporation of America, LabCorp
Classification: Uncertain significance. Last evaluated: 2024-05-17. Review status: criteria provided, single submitter. Criteria: LabCorp Variant Classification Summary - May 2015. Collection method: clinical testing. Allele origin: germline.
Comment: Variant summary: PRMT7 c.156C>G (p.Ile52Met) results in a conservative amino acid change in the encoded protein sequence. Two of four in-silico tools predict a benign effect of the variant on protein function. The variant was absent in 251404 control chromosomes. The available data on variant occurrences in the general population are insufficient to allow any conclusion about variant significance. To our knowledge, no occurrence of c.156C>G in individuals affected with Short Stature, Brachydactyly, Intellectual Developmental Disability, And Seizures and no experimental evidence demonstrating its impact on protein function have been reported. No submitters have cited clinical-significance assessments for this variant to ClinVar. Based on the evidence outlined above, the variant was classified as uncertain significance.